The following is an entry in ClinVar:

NM_007186.6(CEP250):c.3966G>A (p.Met1322Ile)

Gene: CEP250 (centrosomal protein 250; plus strand). Cytogenetic location: 20q11.22.
Variant type: single nucleotide variant.
Coding change: c.3966G>A on transcript NM_007186.6 (MANE Select); coding-DNA position 3966, G replaced by A.
Protein change: p.Met1322Ile; replaces methionine 1322 with isoleucine.
Molecular consequence: missense variant.
Genome position (GRCh38, 1-based): chr20:35,501,912, G>A. VCF-style: chr20-35501912-G-A. GRCh37 (hg19) VCF-style: chr20-34089739-G-A.
Other names: c.2070G>A, p.Met690Ile (NM_001318219.1); short protein forms M690I, M1322I.
Identifiers: ClinVar variation 1897885 (VCV001897885.4), dbSNP rs1283611306, ClinGen allele CA408746601.

ClinVar aggregate classification (germline): Uncertain significance (1 of 4 stars; one submission).

Allele frequency attached by ClinVar (database versions not stated): gnomAD exomes below 0.00001; gnomAD 0.00001; TOPMed 0.00001.

Submission:

Labcorp Genetics (formerly Invitae), Labcorp
Classification: Uncertain significance. Last evaluated: 2021-12-18. Review status: criteria provided, single submitter. Criteria: Invitae Variant Classification Sherloc (09022015). Collection method: clinical testing. Allele origin: germline.
Comment: In summary, the available evidence is currently insufficient to determine the role of this variant in disease. Therefore, it has been classified as a Variant of Uncertain Significance. Algorithms developed to predict the effect of missense changes on protein structure and function are either unavailable or do not agree on the potential impact of this missense change (SIFT: "Not Available"; PolyPhen-2: "Benign"; Align-GVGD: "Not Available"). This variant has not been reported in the literature in individuals affected with CEP250-related conditions. This variant is present in population databases (no rsID available, gnomAD 0.0009%). This sequence change replaces methionine, which is neutral and non-polar, with isoleucine, which is neutral and non-polar, at codon 1322 of the CEP250 protein (p.Met1322Ile).